The following is an entry in ClinVar:

ClinVar aggregate classification (germline): Uncertain significance (1 of 4 stars; one submission).

Conditions:
Inborn genetic diseases. Identifiers: MedGen C0950123, MeSH D030342.

gnomAD v4.1: 29 of 1,613,928 alleles (0.0018%); highest among the groups gnomAD compares: East Asian, 0.0022%; no homozygotes.

Submission:

Ambry Genetics
Classification: Uncertain significance for Inborn genetic diseases. Last evaluated: 2026-07-19. Review status: criteria provided, single submitter. Criteria: Ambry Variant Classification Scheme 2023. Collection method: clinical testing. Allele origin: germline.
Comment: The c.1157G>A (p.R386Q) alteration is located in exon 9 (coding exon 8) of the MTRR gene. This alteration results from a G to A substitution at nucleotide position 1157, causing the arginine (R) at amino acid position 386 to be replaced by a glutamine (Q). Based on data from gnomAD, the A allele has an overall frequency of 0.002% (4/251440) total alleles studied. The highest observed frequency was 0.003% (1/30612) of South Asian alleles. Based on insufficient or conflicting evidence, the clinical significance of this alteration remains unclear.

NM_002454.3(MTRR):c.1157G>A (p.Arg386Gln)

Gene: MTRR (5-methyltetrahydrofolate-homocysteine methyltransferase reductase; plus strand). Cytogenetic location: 5p15.31.
Variant type: single nucleotide variant.
Coding change: c.1157G>A on transcript NM_002454.3 (MANE Select); coding-DNA position 1157, G replaced by A.
Protein change: p.Arg386Gln; replaces arginine 386 with glutamine.
Molecular consequence: missense variant. On other transcripts: non-coding transcript variant (14).
Genome position (GRCh38, 1-based): chr5:7,889,105, G>A. VCF-style: chr5-7889105-G-A. GRCh37 (hg19) VCF-style: chr5-7889218-G-A.
Other names: c.1157G>A, p.Arg386Gln (NM_001364440.2, NM_001364441.2, NM_001364442.2 and 1 more transcripts); short protein forms R386Q.
Identifiers: ClinVar variation 5024964 (VCV005024964.1).